The following is an entry in ClinVar:

NM_052947.4(ALPK2):c.5628A>C (p.Glu1876Asp)

Gene: ALPK2 (alpha kinase 2; minus strand). Cytogenetic location: 18q21.31.
Variant type: single nucleotide variant.
Coding change: c.5628A>C on transcript NM_052947.4 (MANE Select); coding-DNA position 5628, A replaced by C.
Protein change: p.Glu1876Asp; replaces glutamic acid 1876 with aspartic acid.
Molecular consequence: missense variant.
Genome position (GRCh38, 1-based): chr18:58,523,936, T>G on the plus strand (A>C on the coding strand, the complement: ALPK2 is on the minus strand). VCF-style: chr18-58523936-T-G. GRCh37 (hg19) VCF-style: chr18-56191168-T-G.
Other names: short protein forms E1876D.
Identifiers: ClinVar variation 1748721 (VCV001748721.2), dbSNP rs767005957, ClinGen allele CA8976431.
Genomic context (GRCh38, chr18:58,523,936, plus strand): 5'-CAGATGTCCATTGTGAACGGGCAGGGGCCAGTGGTTTTTCATTGAAAACTGTGGTTTACC[T>G]TCAGCTGTGAGGTTAAATTCAGCAGTCACTTTTCCGTAGCTGTTCTTGATGCAGCAGTAA-3'
Protein context (NP_443179.3, residues 1866-1886): KVTAEFNLTA[Glu1876Asp]VLKQLSSRQD

ClinVar aggregate classification (germline): Uncertain significance (1 of 4 stars; one submission).

Allele frequency attached by ClinVar (database versions not stated): gnomAD exomes below 0.00001; ExAC 0.00001.
gnomAD v4.1: 6 of 1,614,206 alleles (0.00037%); highest among the groups gnomAD compares: Non-Finnish European, 0.00051%; no homozygotes.

Submission:

Ambry Genetics
Classification: Uncertain significance. Last evaluated: 2021-12-01. Review status: criteria provided, single submitter. Criteria: Ambry Variant Classification Scheme 2023. Collection method: clinical testing. Allele origin: germline.
Comment: The p.E1876D variant (also known as c.5628A>C), located in coding exon 6 of the ALPK2 gene, results from an A to C substitution at nucleotide position 5628. The glutamic acid at codon 1876 is replaced by aspartic acid, an amino acid with highly similar properties. This amino acid position is conserved. In addition, this alteration is predicted to be tolerated by in silico analysis. Since supporting evidence is limited at this time, the clinical significance of this alteration remains unclear.